The following is an entry in ClinVar:

NM_201384.3(PLEC):c.6181A>C (p.Lys2061Gln)

Gene: PLEC (plectin; minus strand). Cytogenetic location: 8q24.3.
Variant type: single nucleotide variant.
Coding change: c.6181A>C on transcript NM_201384.3 (MANE Select); coding-DNA position 6181, A replaced by C.
Protein change: p.Lys2061Gln; replaces lysine 2061 with glutamine.
Molecular consequence: missense variant.
Genome position (GRCh38, 1-based): chr8:143,923,748, T>G on the plus strand (A>C on the coding strand, the complement: PLEC is on the minus strand). VCF-style: chr8-143923748-T-G. GRCh37 (hg19) VCF-style: chr8-144997916-T-G.
Other names: c.6262A>C, p.Lys2088Gln (NM_000445.5); c.6139A>C, p.Lys2047Gln (NM_201378.4); c.6115A>C, p.Lys2039Gln (NM_201379.3); c.6592A>C, p.Lys2198Gln (NM_201380.4); c.6085A>C, p.Lys2029Gln (NM_201381.3); c.6181A>C, p.Lys2061Gln (NM_201382.4); c.6193A>C, p.Lys2065Gln (NM_201383.3); short protein forms K2088Q, K2029Q, K2039Q, K2047Q, K2061Q, K2198Q, K2065Q.
Identifiers: ClinVar variation 934195 (VCV000934195.7), dbSNP rs782134018, ClinGen allele CA372538355.
Genomic context (GRCh38, chr8:143,923,748, plus strand): 5'-CGCGCAGCTGGTCCAGCACGCTCTGCTCCTGCTGCAGCGTCTGCTGTAGCTCCTGCTCCT[T>G]CTGCTGCACCGCGAAGGCGTGTGCCTTCTCTTCCGCCTGCAGCCGCTTCTGGGCGGCCTC-3'
Protein context (NP_958786.1, residues 2051-2071): EKAHAFAVQQ[Lys2061Gln]EQELQQTLQQ

ClinVar aggregate classification (germline): Uncertain significance (1 of 4 stars; one submission).

Conditions:
Epidermolysis bullosa simplex with nail dystrophy (EBS5D). Identifiers: MedGen C4225309, MONDO:0014661, OMIM 616487.
Epidermolysis bullosa simplex 5B, with muscular dystrophy (EBS5B). Also called: EPIDERMOLYSIS BULLOSA SIMPLEX AND LIMB-GIRDLE MUSCULAR DYSTROPHY; Epidermolysis bullosa simplex with muscular dystrophy. Identifiers: Orphanet 257, MedGen C2931072, MONDO:0009181, OMIM 226670.
Epidermolysis bullosa simplex, Ogna type (EBS5A). Also called: EPIDERMOLYSIS BULLOSA SIMPLEX 5A, OGNA TYPE; Pidermolysis bullosa simplex 5A, Ogna type. Identifiers: Orphanet 79401, MedGen C0432317, MONDO:0007555, OMIM 131950.
Epidermolysis bullosa simplex 5C, with pyloric atresia (EBS5C). Also called: PLEC1-Related Epidermolysis Bullosa with Pyloric Atresia; PLEC-Related Epidermolysis Bullosa with Pyloric Atresia; Epidermolysis bullosa simplex with pyloric atresia. Identifiers: Orphanet 158684, MedGen C2677349, MONDO:0012807, OMIM 612138.
Autosomal recessive limb-girdle muscular dystrophy type 2Q (LGMDR17). Also called: MUSCULAR DYSTROPHY, LIMB-GIRDLE, AUTOSOMAL RECESSIVE 17. Identifiers: Orphanet 254361, MedGen C3150989, MONDO:0013390, OMIM 613723.

Submission:

Labcorp Genetics (formerly Invitae), Labcorp
Classification: Uncertain significance for Autosomal recessive limb-girdle muscular dystrophy type 2Q; Epidermolysis bullosa simplex, Ogna type; Epidermolysis bullosa simplex with nail dystrophy; Epidermolysis bullosa simplex 5C, with pyloric atresia; Epidermolysis bullosa simplex 5B, with muscular dystrophy. Last evaluated: 2022-10-04. Review status: criteria provided, single submitter. Criteria: Invitae Variant Classification Sherloc (09022015). Collection method: clinical testing. Allele origin: germline.
Comment: In summary, the available evidence is currently insufficient to determine the role of this variant in disease. Therefore, it has been classified as a Variant of Uncertain Significance. Algorithms developed to predict the effect of missense changes on protein structure and function (SIFT, PolyPhen-2, Align-GVGD) all suggest that this variant is likely to be tolerated. ClinVar contains an entry for this variant (Variation ID: 934195). This variant has not been reported in the literature in individuals affected with PLEC-related conditions. This variant is not present in population databases (gnomAD no frequency). This sequence change replaces lysine, which is basic and polar, with glutamine, which is neutral and polar, at codon 2088 of the PLEC protein (p.Lys2088Gln).